The following is an entry in ClinVar:

ClinVar aggregate classification (germline): Uncertain significance (1 of 4 stars; one submission).

Conditions:
Dyskeratosis congenita. Identifiers: Orphanet 1775, MedGen C0265965, MONDO:0015780.

Allele frequency attached by ClinVar (database versions not stated): gnomAD 0.00001; TOPMed 0.00001.

Submission:

Ambry Genetics
Classification: Uncertain significance for Dyskeratosis congenita. Last evaluated: 2023-04-18. Review status: criteria provided, single submitter. Criteria: Ambry Variant Classification Scheme 2023. Collection method: clinical testing. Allele origin: germline.
Comment: The p.E652G variant (also known as c.1955A>G), located in coding exon 5 of the TERT gene, results from an A to G substitution at nucleotide position 1955. The glutamic acid at codon 652 is replaced by glycine, an amino acid with similar properties. This amino acid position is conserved. In addition, this alteration is predicted to be tolerated by in silico analysis. Since supporting evidence is limited at this time, the clinical significance of this alteration remains unclear.

NM_198253.3(TERT):c.1955A>G (p.Glu652Gly)

Gene: TERT (telomerase reverse transcriptase; minus strand). Cytogenetic location: 5p15.33.
Variant type: single nucleotide variant.
Coding change: c.1955A>G on transcript NM_198253.3 (MANE Select); coding-DNA position 1955, A replaced by G.
Protein change: p.Glu652Gly; replaces glutamic acid 652 with glycine.
Molecular consequence: missense variant. On other transcripts: non-coding transcript variant (2).
Genome position (GRCh38, 1-based): chr5:1,279,466, T>C on the plus strand (A>G on the coding strand, the complement: TERT is on the minus strand). VCF-style: chr5-1279466-T-C. GRCh37 (hg19) VCF-style: chr5-1279581-T-C.
Other names: c.1955A>G, p.Glu652Gly (NM_001193376.3, NM_003219.1); short protein forms E652G.
Identifiers: ClinVar variation 3238532 (VCV003238532.1), dbSNP rs1266536661.